The following is an entry in ClinVar:

NM_001605.3(AARS1):c.241A>G (p.Lys81Glu)

Gene: AARS1 (alanyl-tRNA synthetase 1; minus strand). Cytogenetic location: 16q22.1.
Variant type: single nucleotide variant.
Coding change: c.241A>G on transcript NM_001605.3 (MANE Select); coding-DNA position 241, A replaced by G.
Protein change: p.Lys81Glu; replaces lysine 81 with glutamic acid.
Molecular consequence: missense variant.
Genome position (GRCh38, 1-based): chr16:70,277,058, T>C on the plus strand (A>G on the coding strand, the complement: AARS1 is on the minus strand). VCF-style: chr16-70277058-T-C. GRCh37 (hg19) VCF-style: chr16-70310961-T-C.
Other names: short protein forms K81E.
Identifiers: ClinVar variation 1687529 (VCV001687529.1), dbSNP rs2152167014, ClinGen allele CA396569649.

ClinVar aggregate classification (germline): Uncertain significance (1 of 4 stars; one submission).

Conditions:
Developmental and epileptic encephalopathy, 29 (DEE29). Also called: Epileptic encephalopathy, early infantile, 29. Identifiers: Orphanet 442835, MedGen C4225361, MONDO:0014593, OMIM 616339.

Submission:

3billion
Classification: Uncertain significance for Developmental and epileptic encephalopathy, 29. Last evaluated: 2022-05-22. Review status: criteria provided, single submitter. Criteria: ACMG Guidelines, 2015. Collection method: clinical testing. Allele origin: germline. Affected: yes. Observed: 1 heterozygote.
Comment: The variant is not observed in the gnomAD v2.1.1 dataset. The variant is in trans with the NM_001605.3:c.161T>C variant. In silico tool predictions suggest damaging effect of the variant on gene or gene product (REVEL: 0.90; 3Cnet: 0.89). A different missense change at the same codon (p.Lys81Thr) has been reported as pathogenic/likely pathogenic with strong evidence (ClinVar ID: VCV000190102). Therefore, this variant is classified as uncertain significanceaccording to the recommendation of ACMG/AMP guideline.